The following is an entry in ClinVar:

NM_000283.4(PDE6B):c.2269-3C>T

Gene: PDE6B (phosphodiesterase 6B; plus strand). Cytogenetic location: 4p16.3.
Variant type: single nucleotide variant.
Coding change: c.2269-3C>T on transcript NM_000283.4 (MANE Select); 3 bases into the intron before coding-DNA position 2269, C replaced by T.
Molecular consequence: intron variant.
Genome position (GRCh38, 1-based): chr4:666,528, C>T. VCF-style: chr4-666528-C-T. GRCh37 (hg19) VCF-style: chr4-660317-C-T.
Other names: c.2269-3C>T (NM_001145291.2); c.1432-3C>T (NM_001379246.1, NM_001379247.1, NM_001145292.2 and 1 more transcripts); c.1114-3C>T (NM_001350155.3).
Identifiers: ClinVar variation 3003904 (VCV003003904.3), dbSNP rs762919112, ClinGen allele CA2794988.
Genomic context (GRCh38, chr4:666,528, plus strand): 5'-GGGCGGGGCCCCAGGAGCTGCCTCCCTGGTCACTGTTCTCCCGCCCTCTGTTCCTCCCAC[C>T]AGCCTATGATGGACCGGAACAAGGCGGCCGAGCTCCCCAAGCTGCAAGTGGGCTTCATCG-3'

ClinVar aggregate classification (germline): Uncertain significance (1 of 4 stars; one submission).

Allele frequency attached by ClinVar (database versions not stated): ExAC 0.00001; TOPMed 0.00001.

Submission:

Labcorp Genetics (formerly Invitae), Labcorp
Classification: Uncertain significance. Last evaluated: 2024-06-04. Review status: criteria provided, single submitter. Criteria: Invitae Variant Classification Sherloc (09022015). Collection method: clinical testing. Allele origin: germline.
Comment: This sequence change falls in intron 19 of the PDE6B gene. It does not directly change the encoded amino acid sequence of the PDE6B protein. It affects a nucleotide within the consensus splice site. This variant is present in population databases (rs762919112, gnomAD 0.0009%). This variant has not been reported in the literature in individuals affected with PDE6B-related conditions. Variants that disrupt the consensus splice site are a relatively common cause of aberrant splicing (PMID: 17576681, 9536098). Algorithms developed to predict the effect of sequence changes on RNA splicing suggest that this variant is not likely to affect RNA splicing. In summary, the available evidence is currently insufficient to determine the role of this variant in disease. Therefore, it has been classified as a Variant of Uncertain Significance.

Literature cited by the submitters: PubMed 17576681; PubMed 9536098.